The following is an entry in ClinVar:

NM_000540.3(RYR1):c.7625G>A (p.Ser2542Asn)

Gene: RYR1 (ryanodine receptor 1; plus strand). Cytogenetic location: 19q13.2.
Variant type: single nucleotide variant.
Coding change: c.7625G>A on transcript NM_000540.3 (MANE Select); coding-DNA position 7625, G replaced by A.
Protein change: p.Ser2542Asn; replaces serine 2542 with asparagine.
Molecular consequence: missense variant.
Genome position (GRCh38, 1-based): chr19:38,502,517, G>A. VCF-style: chr19-38502517-G-A. GRCh37 (hg19) VCF-style: chr19-38993157-G-A.
Other names: p.Ser2542Asn; NM_000540.3(RYR1):c.7625G>A; c.7625G>A, p.Ser2542Asn (NM_001042723.2); short protein forms S2542N.
Identifiers: ClinVar variation 840575 (VCV000840575.13), dbSNP rs1220636855, ClinGen allele CA405671327.

ClinVar aggregate classification (germline): Uncertain significance. Review status: reviewed by expert panel (3 of 4 stars). 6 submissions from 6 submitters: Uncertain significance (1). 5 of the submissions do not count toward it. Last evaluated 2026-04-10.

Conditions:
RYR1-related disorder. Also called: RYR1-related condition; RYR1-related disorders. Identifiers: MedGen CN239331.
Malignant hyperthermia of anesthesia. Also called: Anesthesic-triggered malignant hyperthermia. Identifiers: Orphanet 423, MedGen C0024591, MONDO:0018493, HP:0034733.
Malignant hyperthermia, susceptibility to, 1 (MHS1). Also called: RYR1-Related Malignant Hyperthermia Susceptibility; Anesthesia related hyperthermia; Malignant hyperpyrexia; Fulminating hyperpyrexia; Pharmacogenic myopathy; Malignant hyperthermia suceptibility 1. Identifiers: Orphanet 423, MedGen C2930980, MONDO:0007783, OMIM 145600.

Allele frequency attached by ClinVar (database versions not stated): TOPMed 0.00001.
gnomAD v4.1: 23 of 1,600,304 alleles (0.0014%); highest among the groups gnomAD compares: Non-Finnish European, 0.002%; no homozygotes.

Submissions (6):

ClinGen Malignant Hyperthermia Susceptibility Variant Curation Expert Panel, ClinGen
Classification: Uncertain significance for Malignant hyperthermia of anesthesia. Last evaluated: 2026-04-10. Review status: reviewed by expert panel. Criteria: ClinGen MHS ACMG Specifications V2. Collection method: curation. Allele origin: germline. Inheritance: Autosomal dominant inheritance.
Comment: This pathogenicity assessment is relevant only for malignant hyperthermia susceptibility (MHS) inherited in an autosomal dominant pattern. Variants in RYR1 can also cause other myopathies inherited in an autosomal dominant pattern or in an autosomal recessive pattern. Some of these disorders may predispose individuals to malignant hyperthermia. RYR1 variants may also contribute to a malignant hyperthermia reaction in combination with other genetic and non-genetic factors and the clinician needs to consider such factors in making management decisions. This sequence variant predicts a substitution of serine with asparagine at codon 2542 of the RYR1 protein, p.(Ser2542Asn). The maximum allele frequency for this variant among the six major gnomAD populations is NFE: 0.00002, a frequency consistent with pathogenicity for MHS (gnomAD v4.1.0). This variant has been reported in an individual with a personal or family history of an MH episode and a positive in vitro contracture test (IVCT) or caffeine halothane contracture test (CHCT) result (if the proband was unavailable for testing, a positive diagnostic test result in a variant-positive relative was counted), PS4_Supporting (PMID:41339169). Functional studies in HEK293 cells showed an increased sensitivity to RYR1 agonists, PS3_Moderate (PMID:41339169). This variant does not reside in a hotspot for pathogenic variants that contribute to MHS. A REVEL score <0.5 (0.429) supports a benign status for this variant, BP4. This variant has been classified as a Variant of Unknown Significance. Criteria implemented: PS3_Moderate, PS4_Supporting, BP4.

Mayo Clinic Laboratories, Mayo Clinic
Classification: Uncertain significance. Last evaluated: 2025-08-15. Review status: criteria provided, single submitter. Criteria: ACMG Guidelines, 2015. Collection method: clinical testing. Allele origin: germline. Observed: 1 variant allele. Not counted in ClinVar's aggregate classification.
Comment: PM2_supporting

Labcorp Genetics (formerly Invitae), Labcorp
Classification: Uncertain significance for RYR1-related disorder. Last evaluated: 2025-03-05. Review status: criteria provided, single submitter. Criteria: Invitae Variant Classification Sherloc (09022015). Collection method: clinical testing. Allele origin: germline. Not counted in ClinVar's aggregate classification.
Comment: This sequence change replaces serine, which is neutral and polar, with asparagine, which is neutral and polar, at codon 2542 of the RYR1 protein (p.Ser2542Asn). This variant is not present in population databases (gnomAD no frequency). This variant has not been reported in the literature in individuals affected with RYR1-related conditions. ClinVar contains an entry for this variant (Variation ID: 840575). Invitae Evidence Modeling of protein sequence and biophysical properties (such as structural, functional, and spatial information, amino acid conservation, physicochemical variation, residue mobility, and thermodynamic stability) indicates that this missense variant is not expected to disrupt RYR1 protein function with a negative predictive value of 80%. In summary, the available evidence is currently insufficient to determine the role of this variant in disease. Therefore, it has been classified as a Variant of Uncertain Significance.

Color Diagnostics, LLC DBA Color Health
Classification: Uncertain significance for Malignant hyperthermia, susceptibility to, 1. Last evaluated: 2024-03-06. Review status: criteria provided, single submitter. Criteria: ACMG Guidelines, 2015. Collection method: clinical testing. Allele origin: germline. Not counted in ClinVar's aggregate classification.
Comment: This missense variant replaces serine with asparagine at codon 2542 of the RYR1 protein. Computational prediction suggests that this variant may not impact protein structure and function. To our knowledge, functional studies have not been reported for this variant. This variant has not been reported in individuals affected with RYR1-related disorders in the literature. This variant has not been identified in the general population by the Genome Aggregation Database (gnomAD). The available evidence is insufficient to determine the role of this variant in disease conclusively. Therefore, this variant is classified as a Variant of Uncertain Significance.

All of Us Research Program, National Institutes of Health
Classification: Uncertain significance for Malignant hyperthermia, susceptibility to, 1. Last evaluated: 2023-12-13. Review status: criteria provided, single submitter. Criteria: ACMG Guidelines, 2015. Collection method: clinical testing. Allele origin: germline. Inheritance: Autosomal dominant inheritance. Observed: 1 variant allele, 1 heterozygote. Not counted in ClinVar's aggregate classification.
Comment: This missense variant replaces serine with asparagine at codon 2542 of the RYR1 protein. Computational prediction suggests that this variant may not impact protein structure and function (internally defined REVEL score threshold <= 0.5, PMID: 27666373). To our knowledge, functional studies have not been reported for this variant. This variant has not been reported in individuals affected with RYR1-related disorders in the literature. This variant has not been identified in the general population by the Genome Aggregation Database (gnomAD). The available evidence is insufficient to determine the role of this variant in disease conclusively. Therefore, this variant is classified as a Variant of Uncertain Significance.

This study involves interpretation of variants in research participants for the purpose of population health screening. Participant phenotype was not available at the time of variant classification. Additional details can be found in publication PMID: 35346344, PMCID: PMC8962531

Revvity Omics, Revvity
Classification: Uncertain significance. Last evaluated: 2020-04-03. Review status: criteria provided, single submitter. Criteria: ACMG Guidelines, 2015. Collection method: clinical testing. Allele origin: germline. Not counted in ClinVar's aggregate classification.